The following is an entry in ClinVar:

ClinVar aggregate classification (germline): Uncertain significance (1 of 4 stars; one submission).

Conditions:
Congenital myopathy with internal nuclei and atypical cores. Also called: Myopathy, centronuclear, 4. Identifiers: Orphanet 319160, MedGen C4707232, MONDO:0013890, OMIM 614807.

Allele frequency attached by ClinVar (database versions not stated): gnomAD exomes below 0.00001 and 0.00005; gnomAD 0.00001; TOPMed 0.00001.

Submission:

Labcorp Genetics (formerly Invitae), Labcorp
Classification: Uncertain significance for Congenital myopathy with internal nuclei and atypical cores. Last evaluated: 2022-05-25. Review status: criteria provided, single submitter. Criteria: Invitae Variant Classification Sherloc (09022015). Collection method: clinical testing. Allele origin: germline.
Comment: This variant is present in population databases (no rsID available, gnomAD 0.002%). In summary, the available evidence is currently insufficient to determine the role of this variant in disease. Therefore, it has been classified as a Variant of Uncertain Significance. Algorithms developed to predict the effect of sequence changes on RNA splicing suggest that this variant may disrupt the consensus splice site. ClinVar contains an entry for this variant (Variation ID: 1025385). This variant has not been reported in the literature in individuals affected with CCDC78-related conditions. This variant results in the deletion of part of exon 8 (c.763_765+5del) of the CCDC78 gene. It is expected to disrupt RNA splicing. Variants that disrupt the donor or acceptor splice site typically lead to a loss of protein function (PMID: 16199547), however the current clinical and genetic evidence is not sufficient to establish whether loss-of-function variants in CCDC78 cause disease.

Literature cited by the submitters: PubMed 16199547.

NM_001378030.1(CCDC78):c.763_765+5del

Gene: CCDC78 (coiled-coil domain containing 78; minus strand). Cytogenetic location: 16p13.3.
Variant type: Deletion.
Coding change: c.763_765+5del on transcript NM_001378030.1 (MANE Select); coding-DNA position 763 through 5 bases into the intron after coding-DNA position 765, 8 bases deleted (GTGGTGAG; older notation c.763_765+5delGTGGTGAG).
Molecular consequence: splice donor variant. On other transcripts: non-coding transcript variant (4), intron variant (1).
Genome position (GRCh38, 1-based): chr16:724,676-724,683, CTCACCAC deleted on the plus strand (GTGGTGAG on the coding strand, the reverse complement: CCDC78 is on the minus strand). VCF-style (leftmost placement, unchanged base first): chr16-724675-GCTCACCAC-G. GRCh37 (hg19) VCF-style: chr16-774675-GCTCACCAC-G.
Other names: c.199-174_199-167del (NM_001378033.1); c.763_765+5del (NM_001378031.1, NM_001031737.3).
Identifiers: ClinVar variation 1025385 (VCV001025385.6), dbSNP rs1406110108, ClinGen allele CA620309254.
Genomic context (GRCh38, chr16:724,675, plus strand): 5'-AGCTATCCAGCACACCCAGGCCAGGCTTGGGCTCCCTAGGCCTCAGGGTGCTCCTGCAGG[GCTCACCAC>G]TGCCTGCCAGGCGCAGTGTTGCAGCCGTAGGACGTACTCATCCTTCAGTTTCTTGAGCTG-3'